The following is an entry in ClinVar:

NM_032737.4(LMNB2):c.1585G>A (p.Val529Ile)

Gene: LMNB2 (lamin B2; minus strand). Cytogenetic location: 19p13.3.
Variant type: single nucleotide variant.
Coding change: c.1585G>A on transcript NM_032737.4 (MANE Select); coding-DNA position 1585, G replaced by A.
Protein change: p.Val529Ile; replaces valine 529 with isoleucine.
Molecular consequence: missense variant.
Genome position (GRCh38, 1-based): chr19:2,432,421, C>T on the plus strand (G>A on the coding strand, the complement: LMNB2 is on the minus strand). VCF-style: chr19-2432421-C-T. GRCh37 (hg19) VCF-style: chr19-2432419-C-T.
Other names: short protein forms V529I.
Identifiers: ClinVar variation 2107882 (VCV002107882.4), dbSNP rs2512233374, ClinGen allele CA403249741.

ClinVar aggregate classification (germline): Uncertain significance (1 of 4 stars; one submission).

Conditions:
Lipodystrophy, partial, acquired, susceptibility to (APLD). Also called: APLD, SUSCEPTIBILITY TO. Identifiers: MedGen C3887501, MONDO:0100476, OMIM 608709.
Progressive myoclonic epilepsy type 9. Identifiers: Orphanet 457265, MedGen C4225289, MONDO:0014685, OMIM 616540.

Allele frequency attached by ClinVar (database versions not stated): gnomAD exomes below 0.00001.

Submission:

Labcorp Genetics (formerly Invitae), Labcorp
Classification: Uncertain significance for Progressive myoclonic epilepsy type 9; Lipodystrophy, partial, acquired, susceptibility to. Last evaluated: 2022-03-09. Review status: criteria provided, single submitter. Criteria: Invitae Variant Classification Sherloc (09022015). Collection method: clinical testing. Allele origin: germline.
Comment: Algorithms developed to predict the effect of missense changes on protein structure and function (SIFT, PolyPhen-2, Align-GVGD) all suggest that this variant is likely to be disruptive. In summary, the available evidence is currently insufficient to determine the role of this variant in disease. Therefore, it has been classified as a Variant of Uncertain Significance. This variant has not been reported in the literature in individuals affected with LMNB2-related conditions. This sequence change replaces valine, which is neutral and non-polar, with isoleucine, which is neutral and non-polar, at codon 529 of the LMNB2 protein (p.Val529Ile). This variant is not present in population databases (gnomAD no frequency).